The following is an entry in ClinVar:

NM_004369.4(COL6A3):c.2306C>T (p.Ala769Val)

Gene: COL6A3 (collagen type VI alpha 3 chain; minus strand). Cytogenetic location: 2q37.3.
Variant type: single nucleotide variant.
Coding change: c.2306C>T on transcript NM_004369.4 (MANE Select); coding-DNA position 2306, C replaced by T.
Protein change: p.Ala769Val; replaces alanine 769 with valine.
Molecular consequence: missense variant. On other transcripts: intron variant (1).
Genome position (GRCh38, 1-based): chr2:237,378,827, G>A on the plus strand (C>T on the coding strand, the complement: COL6A3 is on the minus strand). VCF-style: chr2-237378827-G-A. GRCh37 (hg19) VCF-style: chr2-238287470-G-A.
Other names: c.1085C>T, p.Ala362Val (NM_057164.5); c.1688C>T, p.Ala563Val (NM_057165.5, NM_057167.4); c.677-1483C>T (NM_057166.5); short protein forms A769V, A563V, A362V.
Identifiers: ClinVar variation 499099 (VCV000499099.19), dbSNP rs753966526, ClinGen allele CA2189430.

ClinVar aggregate classification (germline): Conflicting classifications of pathogenicity. Review status: criteria provided, conflicting classifications (1 of 4 stars). 4 submissions from 4 submitters: Uncertain significance (2); Likely benign (1). 1 of the submissions does not count toward it. Last evaluated 2026-01-19.

Conditions:
Ullrich congenital muscular dystrophy 1A. Also called: Ullrich congenital muscular dystrophy 1; Intermediate COL6-RD. Identifiers: Orphanet 75840, MedGen C0410179, MONDO:0009681, OMIM 254090.
Bethlem myopathy 1A. Also called: MYOPATHY, BENIGN CONGENITAL, WITH CONTRACTURES; Bethlem myopathy 1; Bethlem Muscular Dystrophy. Identifiers: Orphanet 610, MedGen CN029274, MONDO:0024530, OMIM 158810.
Tip-toe gait. Also called: Toe walking. Identifiers: MedGen C0427144, HP:0030051.

Allele frequency attached by ClinVar (database versions not stated): gnomAD 0.00006; ExAC 0.00004; gnomAD exomes 0.00004; TOPMed 0.00004.
gnomAD v4.1: 49 of 1,614,096 alleles (0.003%); highest among the groups gnomAD compares: African/African-American, 0.0067%; no homozygotes.

Submissions (4):

Labcorp Genetics (formerly Invitae), Labcorp
Classification: Likely benign for Bethlem myopathy 1A. Last evaluated: 2026-01-19. Review status: criteria provided, single submitter. Criteria: Invitae Variant Classification Sherloc (09022015). Collection method: clinical testing. Allele origin: germline.

Revvity Omics, Revvity
Classification: Uncertain significance. Last evaluated: 2021-06-08. Review status: criteria provided, single submitter. Criteria: ACMG Guidelines, 2015. Collection method: clinical testing. Allele origin: germline.

Eurofins Ntd Llc (ga)
Classification: Uncertain significance. Last evaluated: 2016-12-28. Review status: criteria provided, single submitter. Criteria: EGL Classification Definitions 2015. Collection method: clinical testing. Allele origin: germline. Observed: 1 variant allele, 1 heterozygote.

Practice for Gait Abnormalities, David Pomarino, Competency Network Toe Walking C/o Practice Pomarino
Classification: Likely pathogenic for Tip-toe gait. Last evaluated: 2020-11-27. Review status: no assertion criteria provided. Collection method: clinical testing. Allele origin: germline. Affected: yes. Not counted in ClinVar's aggregate classification.
Comment: Myopathy refers to diseases that affect skeletal Muscles. These diseases attack muscle fibers, making muscles weak. Inherited myopathies are often caused by inheriting an abnormal gene mutation from a parent that causes the disease. Symptoms of congenital myopathies usually start at birth or in early childhood, but may not appear until the teen years or even later in adulthood. Congenital myopathies are somewhat unique compared with other inherited myopathies, as weakness typically affects all muscles and is often not progressive. Symptoms are: Muscle weakness, most commonly of upper arms and shoulders and thighs, muscle cramps, stiffness and spasms, fatigue with exertion and lack of energy. Our patients all walk on tiptoe, so they show similar symptoms. When we genetically test them with our toe walking panel, we find that around 90 per cent of them have a genetic variant that explains their toe walking. These can be assigned, for example, to the area of myopathies (such as variants of the COL6A3 gene), the area of hereditary neuropathies (such as variants of the KMT2C gene) or the area of metabolic diseases (such as variants of the PYGM gene). In a smaller group of patients with almost identical symptoms, no abnormality is found in the genes of our panel, but spastic paraplegia can be detected. In another small group of our toe walkers, no abnormalities can be detected in the genes analysed in our toe walking panel, nor do they suffer from spastic paraplegia, as is also the case with healthy children. In contrast to these, however, they show a tiptoe gait. These patients suffer from infantile cerebral palsy, in which toe walking can also be observed.

Literature cited by the submitters: PubMed 37091313 (cited by Practice for Gait Abnormalities, David Pomarino, Competency Network Toe Walking C/o Practice Pomarino).